The following is an entry in ClinVar:

NM_053025.4(MYLK):c.1168G>A (p.Gly390Arg)

Gene: MYLK (myosin light chain kinase; minus strand). Cytogenetic location: 3q21.1.
Variant type: single nucleotide variant.
Coding change: c.1168G>A on transcript NM_053025.4 (MANE Select); coding-DNA position 1168, G replaced by A.
Protein change: p.Gly390Arg; replaces glycine 390 with arginine.
Molecular consequence: missense variant.
Genome position (GRCh38, 1-based): chr3:123,733,828, C>T on the plus strand (G>A on the coding strand, the complement: MYLK is on the minus strand). VCF-style: chr3-123733828-C-T. GRCh37 (hg19) VCF-style: chr3-123452675-C-T.
Other names: c.640G>A, p.Gly214Arg (NM_001321309.2); c.1168G>A, p.Gly390Arg (NM_053026.4, NM_053027.4, NM_053028.4); short protein forms G390R, G214R.
Identifiers: ClinVar variation 2994907 (VCV002994907.3), dbSNP rs2474562326, ClinGen allele CA354239354.
Genomic context (GRCh38, chr3:123,733,828, plus strand): 5'-CCCTCTGGCCCTCCATGGGGATTCTCCTGTTAGCAGCCTTGCTCACAACATCTTGGCTCC[C>T]CAGGCCAGGCTGCCTGGTGGGGAAGGTGGCTGGACGGGGAGGAGCTGGCCTCTTCCTCTC-3'
Protein context (NP_444253.3, residues 380-400): ATFPTRQPGL[Gly390Arg]SQDVVSKAAN

ClinVar aggregate classification (germline): Uncertain significance (1 of 4 stars; one submission).

Conditions:
Aortic aneurysm, familial thoracic 7 (AAT7). Also called: AORTIC DISSECTION, FAMILIAL, WITH OR WITHOUT AORTIC ANEURYSM. Identifiers: MedGen C3151077, MONDO:0013418, OMIM 613780.

Allele frequency attached by ClinVar (database versions not stated): gnomAD exomes below 0.00001.

Submission:

Labcorp Genetics (formerly Invitae), Labcorp
Classification: Uncertain significance for Aortic aneurysm, familial thoracic 7. Last evaluated: 2023-02-18. Review status: criteria provided, single submitter. Criteria: Invitae Variant Classification Sherloc (09022015). Collection method: clinical testing. Allele origin: germline.
Comment: This sequence change replaces glycine, which is neutral and non-polar, with arginine, which is basic and polar, at codon 390 of the MYLK protein (p.Gly390Arg). This variant is not present in population databases (gnomAD no frequency). This variant has not been reported in the literature in individuals affected with MYLK-related conditions. Advanced modeling of protein sequence and biophysical properties (such as structural, functional, and spatial information, amino acid conservation, physicochemical variation, residue mobility, and thermodynamic stability) performed at Invitae indicates that this missense variant is not expected to disrupt MYLK protein function. In summary, the available evidence is currently insufficient to determine the role of this variant in disease. Therefore, it has been classified as a Variant of Uncertain Significance.